The following is an entry in ClinVar:

NM_001351132.2(PEX5):c.642+6C>T

Gene: PEX5 (peroxisomal biogenesis factor 5; plus strand). Cytogenetic location: 12p13.31.
Variant type: single nucleotide variant.
Coding change: c.642+6C>T on transcript NM_001351132.2 (MANE Select); 6 bases into the intron after coding-DNA position 642, C replaced by T.
Molecular consequence: intron variant.
Genome position (GRCh38, 1-based): chr12:7,201,847, C>T. VCF-style: chr12-7201847-C-T. GRCh37 (hg19) VCF-style: chr12-7354443-C-T.
Other names: c.642+6C>T (NM_001351124.3, NM_001131026.2, NM_001351131.2 and 19 more transcripts); c.687+6C>T (NM_001351135.3, NM_001131023.2, NM_001351138.2).
Identifiers: ClinVar variation 960162 (VCV000960162.7), dbSNP rs376779359, ClinGen allele CA6426210.

ClinVar aggregate classification (germline): Conflicting classifications of pathogenicity. Review status: criteria provided, conflicting classifications (1 of 4 stars). 3 submissions from 3 submitters: Uncertain significance (1); Likely benign (1). 1 of the submissions does not count toward it. Last evaluated 2024-11-05.

Conditions:
PEX5-related disorder. Also called: PEX5-related condition; PEX5-Related Disorders.
Peroxisome biogenesis disorder 2B (PBD2B). Identifiers: Orphanet 44, MedGen C3550234, MONDO:0008736, OMIM 202370.

Allele frequency attached by ClinVar (database versions not stated): gnomAD exomes 0.00001 and 0.00002; ExAC 0.00002; gnomAD 0.00007 and 0.00008; ESP Exome Variant Server 0.00008; TOPMed 0.00009.
gnomAD v4.1: 19 of 1,598,358 alleles (0.0012%); highest among the groups gnomAD compares: African/African-American, 0.016%; no homozygotes.

Submissions (3):

Labcorp Genetics (formerly Invitae), Labcorp
Classification: Uncertain significance for Peroxisome biogenesis disorder 2B. Last evaluated: 2024-11-05. Review status: criteria provided, single submitter. Criteria: Invitae Variant Classification Sherloc (09022015). Collection method: clinical testing. Allele origin: germline.
Comment: This sequence change falls in intron 7 of the PEX5 gene. It does not directly change the encoded amino acid sequence of the PEX5 protein. It affects a nucleotide within the consensus splice site. This variant is present in population databases (rs376779359, gnomAD 0.02%). This variant has not been reported in the literature in individuals affected with PEX5-related conditions. ClinVar contains an entry for this variant (Variation ID: 960162). Variants that disrupt the consensus splice site are a relatively common cause of aberrant splicing (PMID: 17576681, 9536098). Algorithms developed to predict the effect of sequence changes on RNA splicing suggest that this variant is not likely to affect RNA splicing. In summary, the available evidence is currently insufficient to determine the role of this variant in disease. Therefore, it has been classified as a Variant of Uncertain Significance.

Blueprint Genetics
Classification: Likely benign. Last evaluated: 2024-03-19. Review status: criteria provided, single submitter. Criteria: ACMG Guidelines, 2015. Collection method: clinical testing. Allele origin: germline.

PreventionGenetics, part of Exact Sciences
Classification: Likely benign for PEX5-related condition. Last evaluated: 2021-10-06. Review status: no assertion criteria provided. Collection method: clinical testing. Allele origin: germline. Not counted in ClinVar's aggregate classification.
Comment: This variant is classified as likely benign based on ACMG/AMP sequence variant interpretation guidelines (Richards et al. 2015 PMID: 25741868, with internal and published modifications).

Literature cited by the submitters: PubMed 17576681 (cited by Labcorp Genetics (formerly Invitae), Labcorp); PubMed 9536098 (cited by Labcorp Genetics (formerly Invitae), Labcorp).